The following is an entry in ClinVar:

NM_001127671.2(LIFR):c.1721C>T (p.Ser574Leu)

Gene: LIFR (LIF receptor subunit alpha; minus strand). Cytogenetic location: 5p13.1.
Variant type: single nucleotide variant.
Coding change: c.1721C>T on transcript NM_001127671.2 (MANE Select); coding-DNA position 1721, C replaced by T.
Protein change: p.Ser574Leu; replaces serine 574 with leucine.
Molecular consequence: missense variant.
Genome position (GRCh38, 1-based): chr5:38,496,546, G>A on the plus strand (C>T on the coding strand, the complement: LIFR is on the minus strand). VCF-style: chr5-38496546-G-A. GRCh37 (hg19) VCF-style: chr5-38496648-G-A.
Other names: c.1721C>T, p.Ser574Leu (NM_001364297.2, NM_001364298.2, NM_002310.6); c.1721C>T (NM_002310.5); short protein forms S574L.
Identifiers: ClinVar variation 1353866 (VCV001353866.4), dbSNP rs142407999, ClinGen allele CA3242853.

ClinVar aggregate classification (germline): Uncertain significance. Review status: criteria provided, multiple submitters, no conflicts (2 of 4 stars). 2 submissions from 2 submitters: Uncertain significance (2). Last evaluated 2025-09-10.

Conditions:
Inborn genetic diseases. Identifiers: MedGen C0950123, MeSH D030342.

Allele frequency attached by ClinVar (database versions not stated): gnomAD 0.00001; gnomAD exomes 0.00001 and 0.00004; ExAC 0.00002; TOPMed 0.00003; ESP Exome Variant Server 0.00008.
gnomAD v4.1: 22 of 1,613,684 alleles (0.0014%); highest among the groups gnomAD compares: Admixed American, 0.01%; no homozygotes.

Submissions (2):

Ambry Genetics
Classification: Uncertain significance for Inborn genetic diseases. Last evaluated: 2025-09-10. Review status: criteria provided, single submitter. Criteria: Ambry Variant Classification Scheme 2023. Collection method: clinical testing. Allele origin: germline.

Labcorp Genetics (formerly Invitae), Labcorp
Classification: Uncertain significance. Last evaluated: 2022-10-17. Review status: criteria provided, single submitter. Criteria: Invitae Variant Classification Sherloc (09022015). Collection method: clinical testing. Allele origin: germline.
Comment: This sequence change replaces serine, which is neutral and polar, with leucine, which is neutral and non-polar, at codon 574 of the LIFR protein (p.Ser574Leu). This variant is present in population databases (rs142407999, gnomAD 0.01%). This variant has not been reported in the literature in individuals affected with LIFR-related conditions. ClinVar contains an entry for this variant (Variation ID: 1353866). Algorithms developed to predict the effect of missense changes on protein structure and function (SIFT, PolyPhen-2, Align-GVGD) all suggest that this variant is likely to be disruptive. Algorithms developed to predict the effect of sequence changes on RNA splicing suggest that this variant may create or strengthen a splice site. In summary, the available evidence is currently insufficient to determine the role of this variant in disease. Therefore, it has been classified as a Variant of Uncertain Significance.